The following is an entry in ClinVar:

NM_014053.4(FLVCR1):c.126del (p.Ala44fs)

Genes: FLVCR1 (FLVCR choline and heme transporter 1; plus strand), LOC129932486 (ATAC-STARR-seq lymphoblastoid silent region 1807; plus strand). Cytogenetic location: 1q32.3.
Variant type: Deletion.
Coding change: c.126del on transcript NM_014053.4 (MANE Select); coding-DNA position 126, one base deleted (C; older notation c.126delC).
Protein change: p.Ala44fs; shifts the reading frame from alanine 44.
Molecular consequence: frameshift variant.
Genome position (GRCh38, 1-based): chr1:212,858,578, C deleted; the last of 3 consecutive C bases (chr1:212,858,576-212,858,578); deleting any one gives the same sequence. VCF-style (leftmost placement, unchanged base first): chr1-212858575-GC-G. GRCh37 (hg19) VCF-style: chr1-213031917-GC-G.
Other names: short protein forms A44fs.
Identifiers: ClinVar variation 1456300 (VCV001456300.7), dbSNP rs1664099851, ClinGen allele CA1012005712.

ClinVar aggregate classification (germline): Pathogenic/Likely pathogenic. Review status: criteria provided, multiple submitters, no conflicts (2 of 4 stars). 2 submissions from 2 submitters: Pathogenic (1); Likely pathogenic (1). Last evaluated 2022-10-11.

Conditions:
FLVCR1-related disorders.

Submissions (2):

Blueprint Genetics
Classification: Likely pathogenic for FLVCR1-related disorders. Last evaluated: 2022-10-11. Review status: criteria provided, single submitter. Criteria: ACMG Guidelines, 2015. Collection method: clinical testing. Allele origin: germline. Affected: yes. Observed: 1 variant allele.

Labcorp Genetics (formerly Invitae), Labcorp
Classification: Pathogenic. Last evaluated: 2021-06-15. Review status: criteria provided, single submitter. Criteria: Invitae Variant Classification Sherloc (09022015). Collection method: clinical testing. Allele origin: germline.
Comment: The frequency data for this variant in the population databases is considered unreliable, as metrics indicate insufficient coverage at this position in the ExAC database. This sequence change creates a premature translational stop signal (p.Ala44Argfs*6) in the FLVCR1 gene. It is expected to result in an absent or disrupted protein product. Loss-of-function variants in FLVCR1 are known to be pathogenic (PMID: 23591405, 27923065). This variant has not been reported in the literature in individuals with FLVCR1-related conditions. For these reasons, this variant has been classified as Pathogenic.

Literature cited by the submitters: PubMed 23591405 (cited by Labcorp Genetics (formerly Invitae), Labcorp); PubMed 27923065 (cited by Labcorp Genetics (formerly Invitae), Labcorp).